The following is an entry in ClinVar:

ClinVar aggregate classification (germline): Uncertain significance (1 of 4 stars; one submission).

Conditions:
Hereditary cancer-predisposing syndrome. Also called: Neoplastic Syndromes, Hereditary; Tumor predisposition; Hereditary Cancer Syndrome; Hereditary neoplastic syndrome. Identifiers: Orphanet 140162, MedGen C0027672, MeSH D009386, MONDO:0015356.

Submission:

Color Diagnostics, LLC DBA Color Health
Classification: Uncertain significance for Hereditary cancer-predisposing syndrome. Last evaluated: 2023-12-05. Review status: criteria provided, single submitter. Criteria: ACMG Guidelines, 2015. Collection method: clinical testing. Allele origin: germline.
Comment: This missense variant replaces threonine with proline at codon 219 of the MUTYH protein. Computational prediction tools and conservation analyses suggest that this variant may have deleterious impact on the protein function. Computational splicing tools suggest that this variant may not impact RNA splicing. To our knowledge, functional assays have not been performed for this variant nor has this variant been reported in individuals affected with hereditary cancer in the literature. This variant has not been identified in the general population by the Genome Aggregation Database (gnomAD). Available evidence is insufficient to determine the role of this variant in disease conclusively. Therefore, this variant is classified as a Variant of Uncertain Significance.

NM_001048174.2(MUTYH):c.571A>C (p.Thr191Pro)

Gene: MUTYH (mutY DNA glycosylase; minus strand). Cytogenetic location: 1p34.1.
Variant type: single nucleotide variant.
Coding change: c.571A>C on transcript NM_001048174.2 (MANE Select); coding-DNA position 571, A replaced by C.
Protein change: p.Thr191Pro; replaces threonine 191 with proline.
Molecular consequence: missense variant. On other transcripts: non-coding transcript variant (2).
Genome position (GRCh38, 1-based): chr1:45,332,609, T>G on the plus strand (A>C on the coding strand, the complement: MUTYH is on the minus strand). VCF-style: chr1-45332609-T-G. GRCh37 (hg19) VCF-style: chr1-45798281-T-G.
Other names: c.571A>C, p.Thr191Pro (NM_001048171.2, NM_001048173.2, NM_001293195.2); c.574A>C, p.Thr192Pro (NM_001048172.2); c.655A>C, p.Thr219Pro (NM_001128425.2); c.616A>C, p.Thr206Pro (NM_001293190.2); c.604A>C, p.Thr202Pro (NM_001293191.2); c.295A>C, p.Thr99Pro (NM_001293192.2, NM_001293196.2); c.226A>C, p.Thr76Pro (NM_001350650.2, NM_001350651.2); c.646A>C, p.Thr216Pro (NM_012222.3); short protein forms T192P, T202P, T191P, T206P, T216P, T219P, T76P, T99P.
Identifiers: ClinVar variation 919853 (VCV000919853.5), dbSNP rs771064557, ClinGen allele CA340135323.